The following is an entry in ClinVar:

ClinVar aggregate classification (germline): Likely benign. Review status: criteria provided, multiple submitters, no conflicts (2 of 4 stars). 3 submissions from 3 submitters: Likely benign (3). Last evaluated 2024-01-11.

Conditions:
RYR1-related disorder. Also called: RYR1-related condition; RYR1-related disorders. Identifiers: MedGen CN239331.
Malignant hyperthermia, susceptibility to, 1 (MHS1). Also called: Anesthesia related hyperthermia; Malignant hyperpyrexia; Fulminating hyperpyrexia; Pharmacogenic myopathy; RYR1-Related Malignant Hyperthermia Susceptibility; Malignant hyperthermia suceptibility 1. Identifiers: Orphanet 423, MedGen C2930980, MONDO:0007783, OMIM 145600.

Allele frequency attached by ClinVar (database versions not stated): gnomAD 0.00001; TOPMed 0.00001.
gnomAD v4.1: 4 of 1,613,916 alleles (0.00025%); highest among the groups gnomAD compares: Non-Finnish European, 0.00034%; no homozygotes.

Submissions (3):

Labcorp Genetics (formerly Invitae), Labcorp
Classification: Likely benign for RYR1-related disorder. Last evaluated: 2024-01-11. Review status: criteria provided, single submitter. Criteria: Invitae Variant Classification Sherloc (09022015). Collection method: clinical testing. Allele origin: germline.

All of Us Research Program, National Institutes of Health
Classification: Likely benign for Malignant hyperthermia, susceptibility to, 1. Last evaluated: 2023-11-02. Review status: criteria provided, single submitter. Criteria: ACMG Guidelines, 2015. Collection method: clinical testing. Allele origin: germline. Inheritance: Autosomal dominant inheritance. Observed: 2 variant alleles, 2 heterozygotes.
Comment: This study involves interpretation of variants in research participants for the purpose of population health screening. Participant phenotype was not available at the time of variant classification. Additional details can be found in publication PMID: 35346344, PMCID: PMC8962531

Color Diagnostics, LLC DBA Color Health
Classification: Likely benign for Malignant hyperthermia, susceptibility to, 1. Last evaluated: 2023-07-31. Review status: criteria provided, single submitter. Criteria: ACMG Guidelines, 2015. Collection method: clinical testing. Allele origin: germline.

NM_000540.3(RYR1):c.3382-10G>A

Gene: RYR1 (ryanodine receptor 1; plus strand). Cytogenetic location: 19q13.2.
Variant type: single nucleotide variant.
Coding change: c.3382-10G>A on transcript NM_000540.3 (MANE Select); 10 bases into the intron before coding-DNA position 3382, G replaced by A.
Molecular consequence: intron variant.
Genome position (GRCh38, 1-based): chr19:38,468,956, G>A. VCF-style: chr19-38468956-G-A. GRCh37 (hg19) VCF-style: chr19-38959596-G-A.
Other names: c.3382-10G>A (NM_001042723.2).
Identifiers: ClinVar variation 2821208 (VCV002821208.5), dbSNP rs1320396140, ClinGen allele CA633066027.